The following is an entry in ClinVar:

ClinVar aggregate classification (germline): Uncertain significance (1 of 4 stars; one submission).

Conditions:
Immunodeficiency 132A. Also called: Herpes simplex encephalitis, susceptibility to, 3. Identifiers: Orphanet 1930, MedGen C3553868, MONDO:0013920, OMIM 614849.

Submission:

Labcorp Genetics (formerly Invitae), Labcorp
Classification: Uncertain significance for Immunodeficiency 132A. Last evaluated: 2024-03-19. Review status: criteria provided, single submitter. Criteria: Invitae Variant Classification Sherloc (09022015). Collection method: clinical testing. Allele origin: germline.
Comment: This sequence change replaces methionine, which is neutral and non-polar, with valine, which is neutral and non-polar, at codon 129 of the TRAF3 protein (p.Met129Val). This variant is present in population databases (rs748352363, gnomAD 0.01%). This variant has not been reported in the literature in individuals affected with TRAF3-related conditions. An algorithm developed to predict the effect of missense changes on protein structure and function (PolyPhen-2) suggests that this variant is likely to be tolerated. In summary, the available evidence is currently insufficient to determine the role of this variant in disease. Therefore, it has been classified as a Variant of Uncertain Significance.

NM_145725.3(TRAF3):c.385A>G (p.Met129Val)

Gene: TRAF3 (TNF receptor associated factor 3; plus strand). Cytogenetic location: 14q32.32.
Variant type: single nucleotide variant.
Coding change: c.385A>G on transcript NM_145725.3 (MANE Select); coding-DNA position 385, A replaced by G.
Protein change: p.Met129Val; replaces methionine 129 with valine.
Molecular consequence: missense variant.
Genome position (GRCh38, 1-based): chr14:102,875,711, A>G. VCF-style: chr14-102875711-A-G. GRCh37 (hg19) VCF-style: chr14-103342048-A-G.
Other names: c.385A>G, p.Met129Val (NM_001199427.2, NM_001385142.1, NM_001385143.1 and 2 more transcripts); short protein forms M129V.
Identifiers: ClinVar variation 3702055 (VCV003702055.2).